The following is an entry in ClinVar:

NM_001130438.3(SPTAN1):c.5455G>C (p.Ala1819Pro)

Gene: SPTAN1 (spectrin alpha, non-erythrocytic 1; plus strand). Cytogenetic location: 9q34.11.
Variant type: single nucleotide variant.
Coding change: c.5455G>C on transcript NM_001130438.3 (MANE Select); coding-DNA position 5455, G replaced by C.
Protein change: p.Ala1819Pro; replaces alanine 1819 with proline.
Molecular consequence: missense variant.
Genome position (GRCh38, 1-based): chr9:128,617,737, G>C. VCF-style: chr9-128617737-G-C. GRCh37 (hg19) VCF-style: chr9-131380016-G-C.
Other names: c.5380G>C, p.Ala1794Pro (NM_001195532.2, NM_001438441.1, NM_001438444.1); c.5455G>C, p.Ala1819Pro (NM_001363759.2, NM_001375310.1, NM_001375311.2 and 1 more transcripts); c.5395G>C, p.Ala1799Pro (NM_001363765.2, NM_001375314.2, NM_001438442.1); c.5491G>C, p.Ala1831Pro (NM_001375312.2, NM_001375318.1, NM_001438440.1); c.5440G>C, p.Ala1814Pro (NM_001438443.1, NM_001438445.1, NM_003127.4); short protein forms A1794P, A1799P, A1814P, A1819P, A1831P.
Identifiers: ClinVar variation 4801855 (VCV004801855.1).

ClinVar aggregate classification (germline): Uncertain significance (1 of 4 stars; one submission).

Conditions:
Early-infantile DEE. Also called: Early infantile epileptic encephalopathy; Early infantile epileptic encephalopathy with suppression bursts; Ohtahara syndrome. Identifiers: Orphanet 1934, MedGen C0393706, MONDO:0800491.

gnomAD v4.1: 2 of 1,614,158 alleles (0.00012%); highest among the groups gnomAD compares: Non-Finnish European, 0.00017%; no homozygotes.

Submission:

Labcorp Genetics (formerly Invitae), Labcorp
Classification: Uncertain significance for Early-infantile DEE. Last evaluated: 2025-05-11. Review status: criteria provided, single submitter. Criteria: Invitae Variant Classification Sherloc (09022015). Collection method: clinical testing. Allele origin: germline.
Comment: This sequence change replaces alanine, which is neutral and non-polar, with proline, which is neutral and non-polar, at codon 1819 of the SPTAN1 protein (p.Ala1819Pro). This variant is present in population databases (rs777267488, gnomAD 0.002%). This variant has not been reported in the literature in individuals affected with SPTAN1-related conditions. Invitae Evidence Modeling of protein sequence and biophysical properties (such as structural, functional, and spatial information, amino acid conservation, physicochemical variation, residue mobility, and thermodynamic stability) has been performed for this missense variant. However, the output from this modeling did not meet the statistical confidence thresholds required to predict the impact of this variant on SPTAN1 protein function. In summary, the available evidence is currently insufficient to determine the role of this variant in disease. Therefore, it has been classified as a Variant of Uncertain Significance.